The following is an entry in ClinVar:

NM_182493.3(MYLK3):c.1026G>C (p.Met342Ile)

Gene: MYLK3 (myosin light chain kinase 3; minus strand). Cytogenetic location: 16q11.2.
Variant type: single nucleotide variant.
Coding change: c.1026G>C on transcript NM_182493.3 (MANE Select); coding-DNA position 1026, G replaced by C.
Protein change: p.Met342Ile; replaces methionine 342 with isoleucine.
Molecular consequence: missense variant. On other transcripts: initiator codon variant (1).
Genome position (GRCh38, 1-based): chr16:46,732,644, C>G on the plus strand (G>C on the coding strand, the complement: MYLK3 is on the minus strand). VCF-style: chr16-46732644-C-G. GRCh37 (hg19) VCF-style: chr16-46766556-C-G.
Other names: c.3G>C, p.Met1Ile (NM_001308301.1); c.1026G>C (NM_182493.2); short protein forms M1I, M342I.
Identifiers: ClinVar variation 1401125 (VCV001401125.7), dbSNP rs771062238, ClinGen allele CA8038086.

ClinVar aggregate classification (germline): Uncertain significance. Review status: criteria provided, multiple submitters, no conflicts (2 of 4 stars). 2 submissions from 2 submitters: Uncertain significance (2). Last evaluated 2025-06-07.

Allele frequency attached by ClinVar (database versions not stated): gnomAD 0.00001; gnomAD exomes 0.00002 and 0.00005; TOPMed 0.00002; ExAC 0.00007.
gnomAD v4.1: 32 of 1,538,176 alleles (0.0021%); highest among the groups gnomAD compares: Middle Eastern, 0.086%; no homozygotes.

Submissions (2):

Labcorp Genetics (formerly Invitae), Labcorp
Classification: Uncertain significance. Last evaluated: 2025-06-07. Review status: criteria provided, single submitter. Criteria: Invitae Variant Classification Sherloc (09022015). Collection method: clinical testing. Allele origin: germline.
Comment: This sequence change replaces methionine, which is neutral and non-polar, with isoleucine, which is neutral and non-polar, at codon 342 of the MYLK3 protein (p.Met342Ile). This variant is present in population databases (rs771062238, gnomAD 0.009%). This variant has not been reported in the literature in individuals affected with MYLK3-related conditions. ClinVar contains an entry for this variant (Variation ID: 1401125). An algorithm developed to predict the effect of missense changes on protein structure and function (PolyPhen-2) suggests that this variant is likely to be tolerated. In summary, the available evidence is currently insufficient to determine the role of this variant in disease. Therefore, it has been classified as a Variant of Uncertain Significance.

Ambry Genetics
Classification: Uncertain significance. Last evaluated: 2025-01-10. Review status: criteria provided, single submitter. Criteria: Ambry Variant Classification Scheme 2023. Collection method: clinical testing. Allele origin: germline.